The following is an entry in ClinVar:

ClinVar aggregate classification (germline): Uncertain significance. Review status: criteria provided, multiple submitters, no conflicts (2 of 4 stars). 3 submissions from 3 submitters: Uncertain significance (3). Last evaluated 2026-01-14.

Conditions:
Hereditary nonpolyposis colorectal neoplasms. Identifiers: MedGen C0009405, MeSH D003123.

Submissions (3):

Women's Health and Genetics/Laboratory Corporation of America, LabCorp
Classification: Uncertain significance. Last evaluated: 2026-01-14. Review status: criteria provided, single submitter. Criteria: LabCorp Variant Classification Summary - May 2015. Collection method: clinical testing. Allele origin: germline.
Comment: Variant summary: MSH6 c.187T>A (p.Ser63Thr) results in a conservative amino acid change in the encoded protein sequence. Algorithms developed to predict the effect of missense changes on protein structure and function all suggest that this variant is likely to be tolerated. The frequency data for this variant in gnomAD is considered unreliable, as metrics indicate poor data quality at this position. To our knowledge, no occurrence of c.187T>A in individuals affected with MSH6-related conditions and no experimental evidence demonstrating its impact on protein function have been reported. ClinVar contains an entry for this variant (Variation ID: 525623). Based on the evidence outlined above, the variant was classified as uncertain significance.

GeneDx
Classification: Uncertain significance. Last evaluated: 2025-05-08. Review status: criteria provided, single submitter. Criteria: GeneDx Variant Classification Process June 2021. Collection method: clinical testing. Allele origin: germline. Affected: yes.
Comment: Not observed at significant frequency in large population cohorts (gnomAD); In silico analysis suggests that this missense variant does not alter protein structure/function; Has not been previously published as pathogenic or benign to our knowledge

Labcorp Genetics (formerly Invitae), Labcorp
Classification: Uncertain significance for Hereditary nonpolyposis colorectal neoplasms. Last evaluated: 2022-02-23. Review status: criteria provided, single submitter. Criteria: Invitae Variant Classification Sherloc (09022015). Collection method: clinical testing. Allele origin: germline.
Comment: ClinVar contains an entry for this variant (Variation ID: 525623). This variant has not been reported in the literature in individuals affected with MSH6-related conditions. This variant is not present in population databases (gnomAD no frequency). This sequence change replaces serine, which is neutral and polar, with threonine, which is neutral and polar, at codon 63 of the MSH6 protein (p.Ser63Thr). Advanced modeling of protein sequence and biophysical properties (such as structural, functional, and spatial information, amino acid conservation, physicochemical variation, residue mobility, and thermodynamic stability) performed at Invitae indicates that this missense variant is not expected to disrupt MSH6 protein function. In summary, the available evidence is currently insufficient to determine the role of this variant in disease. Therefore, it has been classified as a Variant of Uncertain Significance.

NM_000179.3(MSH6):c.187T>A (p.Ser63Thr)

Gene: MSH6 (mutS homolog 6; plus strand). Cytogenetic location: 2p16.3.
Variant type: single nucleotide variant.
Coding change: c.187T>A on transcript NM_000179.3 (MANE Select); coding-DNA position 187, T replaced by A.
Protein change: p.Ser63Thr; replaces serine 63 with threonine.
Molecular consequence: missense variant. On other transcripts: 5 prime UTR variant (1).
Genome position (GRCh38, 1-based): chr2:47,783,420, T>A. VCF-style: chr2-47783420-T-A. GRCh37 (hg19) VCF-style: chr2-48010559-T-A.
Other names: c.187T>A, p.Ser63Thr (NM_001281492.2); c.-550T>A (NM_001281493.2); short protein forms S63T.
Identifiers: ClinVar variation 525623 (VCV000525623.11), dbSNP rs763702846, ClinGen allele CA346735020.